The following is an entry in ClinVar:

NM_001164508.2(NEB):c.22264C>G (p.Gln7422Glu)

Genes: NEB (nebulin; minus strand), RIF1 (replication timing regulatory factor 1; plus strand). Cytogenetic location: 2q23.3.
Variant type: single nucleotide variant.
Coding change: c.22264C>G on transcript NM_001164508.2 (MANE Select); coding-DNA position 22264, C replaced by G.
Protein change: p.Gln7422Glu; replaces glutamine 7422 with glutamic acid.
Molecular consequence: missense variant.
Genome position (GRCh38, 1-based): chr2:151,525,171, G>C on the plus strand (C>G on the coding strand, the complement: NEB is on the minus strand). VCF-style: chr2-151525171-G-C. GRCh37 (hg19) VCF-style: chr2-152381685-G-C.
Other names: c.22264C>G, p.Gln7422Glu (NM_001164507.2); c.22369C>G, p.Gln7457Glu (NM_001271208.2); c.17161C>G, p.Gln5721Glu (NM_004543.5); short protein forms Q5721E, Q7422E, Q7457E.
Identifiers: ClinVar variation 1460769 (VCV001460769.6), dbSNP rs369642754, ClinGen allele CA57625492.

ClinVar aggregate classification (germline): Uncertain significance (1 of 4 stars; one submission).

Conditions:
Nemaline myopathy 2 (NEM2). Also called: Nemaline myopathy 2, autosomal recessive. Identifiers: MedGen C1850569, MONDO:0009725, OMIM 256030.

Allele frequency attached by ClinVar (database versions not stated): gnomAD exomes below 0.00001.
gnomAD v4.1: 5 of 1,612,658 alleles (0.00031%); highest among the groups gnomAD compares: South Asian, 0.0044%; no homozygotes.

Submission:

Labcorp Genetics (formerly Invitae), Labcorp
Classification: Uncertain significance for Nemaline myopathy 2. Last evaluated: 2021-10-14. Review status: criteria provided, single submitter. Criteria: Invitae Variant Classification Sherloc (09022015). Collection method: clinical testing. Allele origin: germline.
Comment: In summary, the available evidence is currently insufficient to determine the role of this variant in disease. Therefore, it has been classified as a Variant of Uncertain Significance. Algorithms developed to predict the effect of missense changes on protein structure and function are either unavailable or do not agree on the potential impact of this missense change (SIFT: "Deleterious"; PolyPhen-2: "Not Available"; Align-GVGD: "Class C0"). This variant has not been reported in the literature in individuals affected with NEB-related conditions. This variant is not present in population databases (ExAC no frequency). This sequence change replaces glutamine with glutamic acid at codon 7457 of the NEB protein (p.Gln7457Glu). The glutamine residue is moderately conserved and there is a small physicochemical difference between glutamine and glutamic acid.